The following is an entry in ClinVar:

ClinVar aggregate classification (germline): Uncertain significance. Review status: reviewed by expert panel (3 of 4 stars). 7 submissions from 7 submitters: Uncertain significance (1). 6 of the submissions do not count toward it. Last evaluated 2022-12-01.

Conditions:
Marfan syndrome (MFS). Also called: Marfan syndrome, classic; FBN1-Related Marfan Syndrome; Marfan syndrome type 1; Marfan's syndrome; MARFAN SYNDROME, TYPE I. Identifiers: Orphanet 284963, Orphanet 558, MedGen C0024796, MONDO:0007947, OMIM 154700.
Familial thoracic aortic aneurysm and aortic dissection (TAAD). Also called: Thoracic aortic aneurysms and dissections. Identifiers: Orphanet 91387, MedGen C4707243, MONDO:0019625.

Allele frequency attached by ClinVar (database versions not stated): TOPMed 0.00002; gnomAD exomes 0.00002 and 0.00001; gnomAD 0.00001; ExAC 0.00002.
gnomAD v4.1: 17 of 1,613,996 alleles (0.0011%); highest among the groups gnomAD compares: South Asian, 0.0022%; no homozygotes.

Submissions (7):

ClinGen FBN1 Variant Curation Expert Panel, ClinGen
Classification: Uncertain significance for Marfan syndrome. Last evaluated: 2022-12-01. Review status: reviewed by expert panel. Criteria: Assertion Criteria VCEP FBN1 Version 1. Collection method: curation. Allele origin: germline. Inheritance: Autosomal dominant inheritance.
Comment: NM_00138 c.5443G>A is a missense variant in FBN1 predicted to cause a substitution of a Glycine by Serine at amino acid 1815 (p.Gly1815Ser). This variant has been reported 3 times in ClinVar: once as likely pathogenic and twice as a variant of uncertain significance (Variation ID: 200064). This variant has been reported in the literature in 2 probands. It was identified in the homozygous state in an individual with autism spectrum disorder, global developmental delays, arachnodactyly, and dysmorphic features (PMID: 32655337); of note, homozygous variants of uncertain significance were identified in two other genes in this individual, and all 3 homozygous variants were found to segregate with disease in a similarly affected sibling. It was identified in another individual with sudden unexplained death in epilepsy, for which an autopsy did not identify any cardiac abnormalities (PMID: 27930701). This variant has been identified in 0.0033% of individuals of South Asian origin in gnomAD v2.1.1. Computational prediction tools and conservation analysis are unclear on the predicted impact on the protein. The constraint z-score for missense variants affecting FBN1 is 5.06 however due to the presence of one benign argument PP2 cannot be used . In summary, this variant meets the criteria to be classified as uncertain significance for Marfan syndrome based on the ACMG/AMP criteria applied, as specified by the ClinGen FBN1 VCEP: BP2

GeneDx
Classification: Uncertain significance. Last evaluated: 2026-09-01. Review status: criteria provided, single submitter. Criteria: GeneDx Variant Classification Process June 2021. Collection method: clinical testing. Allele origin: germline. Not counted in ClinVar's aggregate classification.
Comment: This individual's brother was also homozygous and similarly affected; several additional homozygous variants were identified in both individuals (PMID: 32655337); In silico analysis suggests that this missense variant does not alter protein structure/function; Not observed at significant frequency in large population cohorts (gnomAD); Does not affect a cysteine or calcium-binding residue within an EGF-like domain or a TGF-binding protein domain of the FBN1 gene; cysteine substitutions in the EGF-like domains represent the majority of pathogenic missense changes associated with FBN1-related disorders (PMID: 12938084); This variant is associated with the following publications: (PMID: 12938084, 39411402, 32655337)

Labcorp Genetics (formerly Invitae), Labcorp
Classification: Likely benign for Marfan syndrome; Familial thoracic aortic aneurysm and aortic dissection. Last evaluated: 2025-12-16. Review status: criteria provided, single submitter. Criteria: Invitae Variant Classification Sherloc (09022015). Collection method: clinical testing. Allele origin: germline. Not counted in ClinVar's aggregate classification.

Color Diagnostics, LLC DBA Color Health
Classification: Uncertain significance for Familial thoracic aortic aneurysm and aortic dissection. Last evaluated: 2025-01-21. Review status: criteria provided, single submitter. Criteria: ACMG Guidelines, 2015. Collection method: clinical testing. Allele origin: germline. Not counted in ClinVar's aggregate classification.
Comment: This missense variant replaces glycine with serine at codon 1815 of the FBN1 protein. Computational prediction tool is inconclusive regarding the impact of this variant on protein structure and function. To our knowledge, functional studies have not been reported for this variant. This variant has been reported in an individual showing clinical features resembling Marfan syndrome (Cortini et al., 2020, DOI: 10.4103/ds.ds_16_19) and in an individual affected with sudden unexplained death (PMID: 27930701). This variant has also been reported in homozygosity in two siblings affected with autism spectrum disorder, arachnodactyly and facial features consistent with Marfan syndrome but not affected with cardiovascular problems (PMID: 32655337). This variant has been identified in 4/251202 chromosomes in the general population by the Genome Aggregation Database (gnomAD). The available evidence is insufficient to determine the role of this variant in disease conclusively. Therefore, this variant is classified as a Variant of Uncertain Significance.

Women's Health and Genetics/Laboratory Corporation of America, LabCorp
Classification: Uncertain significance. Last evaluated: 2024-07-02. Review status: criteria provided, single submitter. Criteria: LabCorp Variant Classification Summary - May 2015. Collection method: clinical testing. Allele origin: germline. Not counted in ClinVar's aggregate classification.
Comment: Variant summary: FBN1 c.5443G>A (p.Gly1815Ser) results in a non-conservative amino acid change located in the EGF-like domain (IPR000742) of the encoded protein sequence. Four of five in-silico tools predict a damaging effect of the variant on protein function. The variant allele was found at a frequency of 1.6e-05 in 251202 control chromosomes (gnomAD). The available data on variant occurrences in the general population are insufficient to allow any conclusion about variant significance. c.5443G>A has been reported in the literature in individuals affected with sudden unexplained death (Sanchez_2016) or autism spectrum disorder with skeletal abnormalities (Farajzadeh Valilou_2020). These reports do not provide unequivocal conclusions about association of the variant with Marfan Syndrome. To our knowledge, no experimental evidence demonstrating an impact on protein function has been reported. The following publications have been ascertained in the context of this evaluation (PMID: 32655337, 27930701). ClinVar contains an entry for this variant (Variation ID: 200064). Based on the evidence outlined above, the variant was classified as uncertain significance.

All of Us Research Program, National Institutes of Health
Classification: Uncertain significance for Marfan syndrome. Last evaluated: 2023-12-01. Review status: criteria provided, single submitter. Criteria: ACMG Guidelines, 2015. Collection method: clinical testing. Allele origin: germline. Inheritance: Autosomal dominant inheritance. Observed: 3 variant alleles, 3 heterozygotes. Not counted in ClinVar's aggregate classification.
Comment: This missense variant replaces glycine with serine at codon 1815 of the FBN1 protein. Computational prediction is inconclusive regarding the impact of this variant on protein structure and function (internally defined REVEL score threshold 0.5 < inconclusive < 0.7, PMID: 27666373). To our knowledge, functional studies have not been reported for this variant. This variant has been reported in an individual showing clinical features resembling Marfan syndrome (Cortini et al., 2020, DOI: 10.4103/ds.ds_16_19). This variant has been observed in homozygosity in two siblings affected with autism spectrum disorder, arachnodactyly and facial features consistent with Marfan syndrome but not affected with cardiovascular problems (PMID: 32655337). This variant has been identified in 4/251202 chromosomes in the general population by the Genome Aggregation Database (gnomAD). The available evidence is insufficient to determine the role of this variant in disease conclusively. Therefore, this variant is classified as a Variant of Uncertain Significance.

This study involves interpretation of variants in research participants for the purpose of population health screening. Participant phenotype was not available at the time of variant classification. Additional details can be found in publication PMID: 35346344, PMCID: PMC8962531

Ambry Genetics
Classification: Uncertain significance for Familial thoracic aortic aneurysm and aortic dissection. Last evaluated: 2022-06-02. Review status: criteria provided, single submitter. Criteria: Ambry Variant Classification Scheme 2023. Collection method: clinical testing. Allele origin: germline. Not counted in ClinVar's aggregate classification.
Comment: The p.G1815S variant (also known as c.5443G>A), located in coding exon 44 of the FBN1 gene, results from a G to A substitution at nucleotide position 5443. The glycine at codon 1815 is replaced by serine, an amino acid with similar properties. This alteration has been reported in a sudden unexplained death cohort and in an individual who had some overlapping features with Marfan syndrome (Sanchez O et al. PLoS One, 2016 Dec;11:e0167358; Cortini F, et al. Dermatol Sin, 2020;38:98-101). This variant was also described as a homozygote in two siblings with autism, arachnodactyly and skeletal problems from a consanguineous mating. The parents were reported to be heterozygous for this alteration and absent of features of Marfan syndrome (Farajzadeh Valilou S et al. Mol Syndromol, 2020 Jun;11:62-72). This amino acid position is highly conserved in available vertebrate species. In addition, the in silico prediction for this alteration is inconclusive. Since supporting evidence is limited at this time, the clinical significance of this alteration remains unclear.

Literature cited by the submitters: PubMed 27930701 (cited by 3 submitters); PubMed 32655337 (cited by 4 submitters); PubMed 31227806 (cited by Ambry Genetics).

NM_000138.5(FBN1):c.5443G>A (p.Gly1815Ser)

Gene: FBN1 (fibrillin 1; minus strand). Cytogenetic location: 15q21.1.
Variant type: single nucleotide variant.
Coding change: c.5443G>A on transcript NM_000138.5 (MANE Select); coding-DNA position 5443, G replaced by A.
Protein change: p.Gly1815Ser; replaces glycine 1815 with serine.
Molecular consequence: missense variant.
Genome position (GRCh38, 1-based): chr15:48,452,664, C>T on the plus strand (G>A on the coding strand, the complement: FBN1 is on the minus strand). VCF-style: chr15-48452664-C-T. GRCh37 (hg19) VCF-style: chr15-48744861-C-T.
Other names: p.G1815S:GGC>AGC; NM_000138.5(FBN1):c.5443G>A; p.Gly1815Ser; short protein forms G1815S.
Identifiers: ClinVar variation 200064 (VCV000200064.20), dbSNP rs745680336, ClinGen allele CA015829.